The following is an entry in ClinVar:

ClinVar aggregate classification (germline): Conflicting classifications of pathogenicity. Review status: criteria provided, conflicting classifications (1 of 4 stars). 7 submissions from 7 submitters: Uncertain significance (5); Likely benign (1). 1 of the submissions does not count toward it. Last evaluated 2026-06-25.

Conditions:
MAP2K2-related disorder. Also called: MAP2K2-related condition.
Cardiofaciocutaneous syndrome 4 (CFC4). Also called: MAP2K2-Related Cardiofaciocutaneous Syndrome. Identifiers: Orphanet 1340, MedGen C3809007, MONDO:0014114, OMIM 615280.
RASopathy. Also called: rasopathies; Noonan spectrum disorder. Identifiers: Orphanet 536391, MedGen C5555857, MONDO:0021060.
Noonan syndrome 1 (NS1). Also called: FEMALE PSEUDO-TURNER SYNDROME; PTPN11-Related Noonan Syndrome; TURNER PHENOTYPE WITH NORMAL KARYOTYPE. Identifiers: Orphanet 648, MedGen C4551602, MONDO:0008104, OMIM 163950. Disease mechanism: gain of function.

Allele frequency attached by ClinVar (database versions not stated): gnomAD exomes 0.00001; TOPMed 0.00001; ExAC 0.00002; gnomAD 0.00002 and 0.00003; 1000 Genomes Project 0.00020; 1000 Genomes Project 30x 0.00031.
gnomAD v4.1: 16 of 1,613,436 alleles (0.00099%); highest among the groups gnomAD compares: Middle Eastern, 0.017%; no homozygotes.

Submissions (7):

PreventionGenetics, part of Exact Sciences
Classification: Uncertain significance for MAP2K2-related condition. Last evaluated: 2026-06-25. Review status: criteria provided, single submitter. Criteria: ACMG Guidelines, 2015. Collection method: clinical testing. Allele origin: germline.
Comment: The MAP2K2 c.326C>T variant is predicted to result in the amino acid substitution p.Pro109Leu. This variant has been reported as a variant of uncertain significance in a RASopathy cohort (Srikanth et al. 2026. PubMed ID: 42274072). This variant is reported in 0.0040% of alleles in individuals of African descent in gnomAD. At this time, the clinical significance of this variant is uncertain due to the absence of conclusive functional and genetic evidence.

Labcorp Genetics (formerly Invitae), Labcorp
Classification: Uncertain significance for RASopathy. Last evaluated: 2025-12-24. Review status: criteria provided, single submitter. Criteria: Invitae Variant Classification Sherloc (09022015). Collection method: clinical testing. Allele origin: germline.
Comment: This sequence change replaces proline, which is neutral and non-polar, with leucine, which is neutral and non-polar, at codon 109 of the MAP2K2 protein (p.Pro109Leu). This variant is present in population databases (rs544242665, gnomAD 0.004%). This variant has not been reported in the literature in individuals affected with MAP2K2-related conditions. ClinVar contains an entry for this variant (Variation ID: 228849). Invitae Evidence Modeling of protein sequence and biophysical properties (such as structural, functional, and spatial information, amino acid conservation, physicochemical variation, residue mobility, and thermodynamic stability) indicates that this missense variant is expected to disrupt MAP2K2 protein function with a positive predictive value of 95%. In summary, the available evidence is currently insufficient to determine the role of this variant in disease. Therefore, it has been classified as a Variant of Uncertain Significance.

Fulgent Genetics
Classification: Uncertain significance for Cardiofaciocutaneous syndrome 4. Last evaluated: 2024-06-09. Review status: criteria provided, single submitter. Criteria: ACMG Guidelines, 2015. Collection method: clinical testing. Allele origin: germline.

Blueprint Genetics
Classification: Likely benign. Last evaluated: 2024-02-06. Review status: criteria provided, single submitter. Criteria: ACMG Guidelines, 2015. Collection method: clinical testing. Allele origin: germline.

GeneDx
Classification: Uncertain significance. Last evaluated: 2018-08-15. Review status: criteria provided, single submitter. Criteria: GeneDx Variant Classification (06012015). Collection method: clinical testing. Allele origin: germline. Affected: yes.
Comment: The P109L variant has not been published as a pathogenic variant, nor has it been reported as a benign variant to our knowledge. This variant was not observed in approximately 6,500 individuals of European and African American ancestry in the NHLBI Exome Sequencing Project, indicating it is not a common benign variant in these populations. However, the 1000 Genomes Project reports P109L was observed in 1/1006 (0.1%) alleles from individuals of European background. The P109L variant is a semi-conservative amino acid substitution, which may impact secondary protein structure as these residues differ in some properties. This substitution occurs at a position that is conserved across species and in silico analysis predicts this variant is probably damaging to the protein structure/function. However, no missense variants in nearby residues have been reported in the Human Gene Mutation Database (Stenson et al., 2014), indicating this region of the gene is not known to harbor disease-causing variants. Therefore, based on the currently available information, it is unclear whether this variant is pathogenic or benign.

Laboratory for Molecular Medicine, Mass General Brigham Personalized Medicine
Classification: Uncertain significance. Last evaluated: 2015-03-10. Review status: criteria provided, single submitter. Criteria: LMM Criteria. Collection method: clinical testing. Allele origin: germline. Observed: 1 variant allele.
Comment: The p.Pro109Leu variant in MAP2K2 has not been previously reported in individual s with Noonan spectrum disorders, but has been identified in 1/65860 of European chromosomes and 1/16470 South Asian chromosomes by the Exome Aggregation Consor tium (ExAC; dbSNP rs544242665). Computational pr ediction tools and conservation analysis suggest that the p.Pro109Leu variant ma y impact the protein, though this information is not predictive enough to determ ine pathogenicity. In summary, the clinical significance of the p.Pro109Leu vari ant is uncertain.

Molecular Genetics, Centre for Human Genetics
Classification: Uncertain significance for Noonan syndrome 1. Review status: no assertion criteria provided. Collection method: clinical testing. Allele origin: de novo. Inheritance: Autosomal dominant inheritance. Affected: yes. Observed: 1 variant allele. Not counted in ClinVar's aggregate classification.

NM_030662.4(MAP2K2):c.326C>T (p.Pro109Leu)

Gene: MAP2K2 (mitogen-activated protein kinase kinase 2; minus strand). Cytogenetic location: 19p13.3.
Variant type: single nucleotide variant.
Coding change: c.326C>T on transcript NM_030662.4 (MANE Select); coding-DNA position 326, C replaced by T.
Protein change: p.Pro109Leu; replaces proline 109 with leucine.
Molecular consequence: missense variant.
Genome position (GRCh38, 1-based): chr19:4,110,633, G>A on the plus strand (C>T on the coding strand, the complement: MAP2K2 is on the minus strand). VCF-style: chr19-4110633-G-A. GRCh37 (hg19) VCF-style: chr19-4110631-G-A.
Other names: short protein forms P109L.
Identifiers: ClinVar variation 228849 (VCV000228849.13), dbSNP rs544242665, ClinGen allele CA9091025.